The following is an entry in ClinVar:

ClinVar aggregate classification (germline): Uncertain significance. Review status: criteria provided, multiple submitters, no conflicts (2 of 4 stars). 2 submissions from 2 submitters: Uncertain significance (2). Last evaluated 2025-10-21.

Conditions:
Focal segmental glomerulosclerosis 1 (FSGS1). Identifiers: Orphanet 656, MedGen C4551527, MONDO:0011303, OMIM 603278.

Allele frequency attached by ClinVar (database versions not stated): TOPMed 0.00003; ExAC 0.00004; gnomAD exomes 0.00004 and 0.00006; gnomAD 0.00005 and 0.00006; 1000 Genomes Project 30x 0.00031.
gnomAD v4.1: 95 of 1,612,876 alleles (0.0059%); highest among the groups gnomAD compares: Non-Finnish European, 0.0075%; no homozygotes.

Submissions (2):

Labcorp Genetics (formerly Invitae), Labcorp
Classification: Uncertain significance. Last evaluated: 2025-10-21. Review status: criteria provided, single submitter. Criteria: Invitae Variant Classification Sherloc (09022015). Collection method: clinical testing. Allele origin: germline.
Comment: This sequence change replaces aspartic acid, which is acidic and polar, with asparagine, which is neutral and polar, at codon 874 of the ACTN4 protein (p.Asp874Asn). This variant is present in population databases (rs753091185, gnomAD 0.008%). This missense change has been observed in individuals with focal segmental glomerulosclerosis and steroid-resistant nephrotic syndrome (PMID: 30406062; internal data). ClinVar contains an entry for this variant (Variation ID: 1401724). An algorithm developed to predict the effect of missense changes on protein structure and function (PolyPhen-2) suggests that this variant is likely to be tolerated. In summary, the available evidence is currently insufficient to determine the role of this variant in disease. Therefore, it has been classified as a Variant of Uncertain Significance.

Fulgent Genetics
Classification: Uncertain significance for Focal segmental glomerulosclerosis 1. Last evaluated: 2023-12-28. Review status: criteria provided, single submitter. Criteria: ACMG Guidelines, 2015. Collection method: clinical testing. Allele origin: germline.

Literature cited by the submitters: PubMed 30406062 (cited by Labcorp Genetics (formerly Invitae), Labcorp).

NM_004924.6(ACTN4):c.2620G>A (p.Asp874Asn)

Gene: ACTN4 (actinin alpha 4; plus strand). Cytogenetic location: 19q13.2.
Variant type: single nucleotide variant.
Coding change: c.2620G>A on transcript NM_004924.6 (MANE Select); coding-DNA position 2620, G replaced by A.
Protein change: p.Asp874Asn; replaces aspartic acid 874 with asparagine.
Molecular consequence: missense variant.
Genome position (GRCh38, 1-based): chr19:38,729,316, G>A. VCF-style: chr19-38729316-G-A. GRCh37 (hg19) VCF-style: chr19-39219956-G-A.
Other names: c.2605G>A, p.Asp869Asn (NM_001322033.2); short protein forms D874N, D869N.
Identifiers: ClinVar variation 1401724 (VCV001401724.8), dbSNP rs753091185, ClinGen allele CA9418120.
Genomic context (GRCh38, chr19:38,729,316, plus strand): 5'-CCATCCTGCCTGCCCCAGAACTTCATCACAGCTGAGGAGCTGCGGAGAGAGCTGCCCCCC[G>A]ACCAGGCCGAGTACTGCATCGCCCGCATGGCGCCATACCAGGGCCCTGACGCCGTGCCCG-3'
Protein context (NP_004915.2, residues 864-884): AEELRRELPP[Asp874Asn]QAEYCIARMA